The following is an entry in ClinVar:

NM_018297.4(NGLY1):c.468A>G (p.Ser156=)

Gene: NGLY1 (N-glycanase 1; minus strand). Cytogenetic location: 3p24.2.
Variant type: single nucleotide variant.
Coding change: c.468A>G on transcript NM_018297.4 (MANE Select); coding-DNA position 468, A replaced by G.
Protein change: p.Ser156=; no amino-acid change (serine 156 retained).
Molecular consequence: synonymous variant.
Genome position (GRCh38, 1-based): chr3:25,764,090, T>C on the plus strand (A>G on the coding strand, the complement: NGLY1 is on the minus strand). VCF-style: chr3-25764090-T-C. GRCh37 (hg19) VCF-style: chr3-25805581-T-C.
Other names: c.468A>G, p.Ser156= (NM_001145293.2, NM_001145295.2); c.342A>G, p.Ser114= (NM_001145294.2).
Identifiers: ClinVar variation 512083 (VCV000512083.8), dbSNP rs776423647, ClinGen allele CA2289481.

ClinVar aggregate classification (germline): Likely benign. Review status: criteria provided, multiple submitters, no conflicts (2 of 4 stars). 2 submissions from 2 submitters: Likely benign (2). Last evaluated 2025-11-25.

Conditions:
Congenital disorder of deglycosylation (CDDG). Identifiers: MedGen C3808991, MONDO:0031376.

Allele frequency attached by ClinVar (database versions not stated): ExAC 0.00002; gnomAD exomes 0.00002; TOPMed 0.00002; gnomAD 0.00003 and 0.00004.
gnomAD v4.1: 38 of 1,614,102 alleles (0.0024%); highest among the groups gnomAD compares: Middle Eastern, 0.033%; no homozygotes.

Submissions (2):

Labcorp Genetics (formerly Invitae), Labcorp
Classification: Likely benign for Congenital disorder of deglycosylation. Last evaluated: 2025-11-25. Review status: criteria provided, single submitter. Criteria: Invitae Variant Classification Sherloc (09022015). Collection method: clinical testing. Allele origin: germline.

GeneDx
Classification: Likely benign. Last evaluated: 2017-09-27. Review status: criteria provided, single submitter. Criteria: GeneDx Variant Classification (06012015). Collection method: clinical testing. Allele origin: germline. Affected: yes.
Comment: This variant is considered likely benign or benign based on one or more of the following criteria: it is a conservative change, it occurs at a poorly conserved position in the protein, it is predicted to be benign by multiple in silico algorithms, and/or has population frequency not consistent with disease.